The following is an entry in ClinVar:

NM_000054.7(AVPR2):c.380C>G (p.Ser127Cys)

Gene: AVPR2 (arginine vasopressin receptor 2; plus strand). Cytogenetic location: Xq28.
Variant type: single nucleotide variant.
Coding change: c.380C>G on transcript NM_000054.7 (MANE Select); coding-DNA position 380, C replaced by G.
Protein change: p.Ser127Cys; replaces serine 127 with cysteine.
Molecular consequence: missense variant.
Genome position (GRCh38, 1-based): chrX:153,905,886, C>G. VCF-style: chrX-153905886-C-G. GRCh37 (hg19) VCF-style: chrX-153171340-C-G.
Other names: c.380C>G, p.Ser127Cys (NM_001146151.3); short protein forms S127C.
Identifiers: ClinVar variation 4879417 (VCV004879417.1).

ClinVar aggregate classification (germline): Likely pathogenic (1 of 4 stars; one submission).

Conditions:
Nephrogenic syndrome of inappropriate antidiuresis (NSIAD). Identifiers: Orphanet 93606, MedGen C1845202, MONDO:0010356, OMIM 300539.

Submission:

Institute of Human Genetics, University of Leipzig Medical Center
Classification: Likely pathogenic for Nephrogenic syndrome of inappropriate antidiuresis. Last evaluated: 2026-06-08. Review status: criteria provided, single submitter. Criteria: ACMG Guidelines, 2015. Collection method: clinical testing. Allele origin: unknown. Inheritance: X-linked recessive inheritance. Affected: yes.
Comment: Criteria applied: PM5_STR,PM1,PM2,PP3